The following is an entry in ClinVar:

NM_001077365.2(POMT1):c.1598C>T (p.Ala533Val)

Gene: POMT1 (protein O-mannosyltransferase 1; plus strand). Cytogenetic location: 9q34.13.
Variant type: single nucleotide variant.
Coding change: c.1598C>T on transcript NM_001077365.2 (MANE Select); coding-DNA position 1598, C replaced by T.
Protein change: p.Ala533Val; replaces alanine 533 with valine.
Molecular consequence: missense variant. On other transcripts: non-coding transcript variant (10).
Genome position (GRCh38, 1-based): chr9:131,520,093, C>T. VCF-style: chr9-131520093-C-T. GRCh37 (hg19) VCF-style: chr9-134395480-C-T.
Other names: c.1436C>T, p.Ala479Val (NM_001077366.2, NM_001353194.2); c.1598C>T, p.Ala533Val (NM_001136113.2); c.1247C>T, p.Ala416Val (NM_001136114.2, NM_001353195.2, NM_001374691.1 and 2 more transcripts); c.1664C>T, p.Ala555Val (NM_001353193.2, NM_007171.4); c.1508C>T, p.Ala503Val (NM_001353196.2); c.1502C>T, p.Ala501Val (NM_001353197.2, NM_001353198.2); c.1313C>T, p.Ala438Val (NM_001353199.2); c.1142C>T, p.Ala381Val (NM_001353200.2); and 3 more; short protein forms A555V, A416V, A501V, A533V, A381V, A503V, A438V, A479V.
Identifiers: ClinVar variation 498220 (VCV000498220.40), dbSNP rs199682341, ClinGen allele CA5293760.

ClinVar aggregate classification (germline): Uncertain significance. Review status: criteria provided, multiple submitters, no conflicts (2 of 4 stars). 8 submissions from 8 submitters: Uncertain significance (8). Last evaluated 2024-11-01.

Conditions:
Autosomal recessive limb-girdle muscular dystrophy type 2K. Also called: MUSCULAR DYSTROPHY-DYSTROGLYCANOPATHY (LIMB-GIRDLE), TYPE C, 1; MUSCULAR DYSTROPHY, LIMB-GIRDLE, TYPE 2K. Identifiers: Orphanet 86812, MedGen C1836373, MONDO:0012248, OMIM 609308.
Muscular dystrophy-dystroglycanopathy (congenital with impaired intellectual development), type B, 1. Also called: Muscular dystrophy-dystroglycanopathy (congenital with intellectual disability), type B1; MUSCULAR DYSTROPHY, CONGENITAL, POMT1-RELATED. Identifiers: MedGen C5436962, MONDO:0013159, OMIM 613155.
Muscular dystrophy-dystroglycanopathy (congenital with brain and eye anomalies), type A1 (MDDGA1). Also called: COD-MD SYNDROME; Muscular dystrophy-dystroglycanopathy (congenital with brain and eye anomalies), type A, 1; WALKER-WARBURG SYNDROME OR MUSCLE-EYE-BRAIN DISEASE, POMT1-RELATED; Hydrocephalus, agyria and retinal dysplasia; Hard +/- E syndrome; Warburg syndrome. Identifiers: Orphanet 588, Orphanet 899, MedGen C4284790, MONDO:0009364, OMIM 236670.
Myopathy caused by variation in POMT1. Identifiers: MedGen CN305641, MONDO:0700070.
Walker-Warburg congenital muscular dystrophy. Also called: Muscular dystrophy-dystroglycanopathy, type A; Walker-Warburg syndrome. Identifiers: Orphanet 899, MedGen C0265221, MONDO:0000171.

Allele frequency attached by ClinVar (database versions not stated): gnomAD exomes 0.00012 and 0.00038; ExAC 0.00014; gnomAD 0.00021 and 0.00024; ESP Exome Variant Server 0.00023; TOPMed 0.00021.
gnomAD v4.1: 587 of 1,613,452 alleles (0.036%); highest among the groups gnomAD compares: Non-Finnish European, 0.047%; no homozygotes.

Submissions (8):

CeGaT Center for Human Genetics Tuebingen
Classification: Uncertain significance. Last evaluated: 2024-11-01. Review status: criteria provided, single submitter. Criteria: CeGaT Center For Human Genetics Tuebingen Variant Classification Criteria Version 2. Collection method: clinical testing. Allele origin: germline. Affected: yes. Observed: 2 variant alleles.
Comment: POMT1: PM2, BP4

Labcorp Genetics (formerly Invitae), Labcorp
Classification: Uncertain significance for Muscular dystrophy-dystroglycanopathy (congenital with impaired intellectual development), type B, 1; Walker-Warburg congenital muscular dystrophy; Autosomal recessive limb-girdle muscular dystrophy type 2K. Last evaluated: 2022-10-04. Review status: criteria provided, single submitter. Criteria: Invitae Variant Classification Sherloc (09022015). Collection method: clinical testing. Allele origin: germline.
Comment: This sequence change replaces alanine, which is neutral and non-polar, with valine, which is neutral and non-polar, at codon 555 of the POMT1 protein (p.Ala555Val). This variant is present in population databases (rs199682341, gnomAD 0.03%). This variant has not been reported in the literature in individuals affected with POMT1-related conditions. ClinVar contains an entry for this variant (Variation ID: 498220). Advanced modeling of protein sequence and biophysical properties (such as structural, functional, and spatial information, amino acid conservation, physicochemical variation, residue mobility, and thermodynamic stability) performed at Invitae indicates that this missense variant is not expected to disrupt POMT1 protein function. In summary, the available evidence is currently insufficient to determine the role of this variant in disease. Therefore, it has been classified as a Variant of Uncertain Significance.

Fulgent Genetics
Classification: Uncertain significance for Muscular dystrophy-dystroglycanopathy (congenital with brain and eye anomalies), type A1; Autosomal recessive limb-girdle muscular dystrophy type 2K; Muscular dystrophy-dystroglycanopathy (congenital with impaired intellectual development), type B, 1. Last evaluated: 2022-04-04. Review status: criteria provided, single submitter. Criteria: ACMG Guidelines, 2015. Collection method: clinical testing. Allele origin: unknown.

Revvity Omics, Revvity
Classification: Uncertain significance. Last evaluated: 2019-09-09. Review status: criteria provided, single submitter. Criteria: ACMG Guidelines, 2015. Collection method: clinical testing. Allele origin: germline.

Victorian Clinical Genetics Services, Murdoch Childrens Research Institute
Classification: Uncertain significance for Myopathy caused by variation in POMT1. Last evaluated: 2019-08-28. Review status: criteria provided, single submitter. Criteria: ACMG Guidelines, 2015. Collection method: clinical testing. Allele origin: germline. Inheritance: Autosomal recessive inheritance.
Comment: A heterozygous missense variant was identified, NM_007171.3(POMT1):c.1664C>T in exon 17 of 20 of the POMT1 gene. This substitution is predicted to create a minor amino acid change from alanine to valine at position 555 of the protein NP_009102.3(POMT1):p.(Ala555Val). The alanine at this position has low conservation (100 vertebrates, UCSC), and is located within the PMT_4TMC functional domain. In silico software predicts this variant to be benign (Polyphen, SIFT, CADD, Mutation Taster). The variant is present in the gnomAD population database at a frequency of 0.01% (37 heterozygotes, 0 homozygotes). The variant has been previously reported as a variant of uncertain significance (VUS) in ClinVar. Based on information available at the time of curation, this variant has been classified as a VARIANT of UNCERTAIN SIGNIFICANCE (VUS) with LOW CLINICAL RELEVANCE.

GeneDx
Classification: Uncertain significance. Last evaluated: 2019-05-14. Review status: criteria provided, single submitter. Criteria: GeneDx Variant Classification Process June 2021. Collection method: clinical testing. Allele origin: germline. Affected: yes.
Comment: In silico analysis, which includes protein predictors and evolutionary conservation, supports that this variant does not alter protein structure/function; Has not been previously published as pathogenic or benign to our knowledge

Athena Diagnostics
Classification: Uncertain significance. Last evaluated: 2018-05-16. Review status: criteria provided, single submitter. Criteria: Athena Diagnostics Criteria. Collection method: clinical testing. Allele origin: germline.

Eurofins Ntd Llc (ga)
Classification: Uncertain significance. Last evaluated: 2016-10-29. Review status: criteria provided, single submitter. Criteria: EGL Classification Definitions 2015. Collection method: clinical testing. Allele origin: germline. Observed: 1 variant allele, 1 heterozygote.